The following is an entry in ClinVar:

NM_020376.4(PNPLA2):c.24G>A (p.Trp8Ter)

Genes: PNPLA2 (patatin like domain 2, triacylglycerol lipase; plus strand), LOC130005097 (ATAC-STARR-seq lymphoblastoid silent region 3036; plus strand). Cytogenetic location: 11p15.5.
Variant type: single nucleotide variant.
Coding change: c.24G>A on transcript NM_020376.4 (MANE Select); coding-DNA position 24, G replaced by A.
Protein change: p.Trp8Ter; replaces tryptophan 8 with a stop codon.
Molecular consequence: nonsense.
Genome position (GRCh38, 1-based): chr11:819,742, G>A. VCF-style: chr11-819742-G-A. GRCh37 (hg19) VCF-style: chr11-819742-G-A.
Other names: short protein forms W8*.
Identifiers: ClinVar variation 3256770 (VCV003256770.2).
Genomic context (GRCh38, chr11:819,742, plus strand): 5'-CGCCCACGGAACCCGGGGCCCGGCGGCCGCCGCCGCGATGTTTCCCCGCGAGAAGACGTG[G>A]AACATCTCGTTCGCGGGCTGCGGCTTCCTCGGCGTCTACTACGTCGGCGTGGCCTCCTGC-3'

ClinVar aggregate classification (germline): Pathogenic. Review status: criteria provided, single submitter (1 of 4 stars). 2 submissions from 2 submitters: Pathogenic (1). 1 of the submissions does not count toward it. Last evaluated 2025-12-20.

Conditions:
Neutral lipid storage myopathy (NLSDM). Also called: NEUTRAL LIPID STORAGE DISEASE WITHOUT ICHTHYOSIS. Identifiers: Orphanet 98908, MedGen C1853136, MONDO:0012545, OMIM 610717.

gnomAD v4.1: 1 of 1,506,206 alleles (0.000066%); highest among the groups gnomAD compares: Non-Finnish European, 0.000089%; no homozygotes.

Submissions (2):

Labcorp Genetics (formerly Invitae), Labcorp
Classification: Pathogenic for Neutral lipid storage myopathy. Last evaluated: 2025-12-20. Review status: criteria provided, single submitter. Criteria: Invitae Variant Classification Sherloc (09022015). Collection method: clinical testing. Allele origin: germline.
Comment: This sequence change creates a premature translational stop signal (p.Trp8*) in the PNPLA2 gene. It is expected to result in an absent or disrupted protein product. Loss-of-function variants in PNPLA2 are known to be pathogenic (PMID: 17187067). This variant is not present in population databases (gnomAD no frequency). This premature translational stop signal has been observed in individual(s) with clinical features of neutral lipid storage disease with myopathy (PMID: 22990388). ClinVar contains an entry for this variant (Variation ID: 3256770). For these reasons, this variant has been classified as Pathogenic.

Solve-RD Consortium
Classification: Likely pathogenic for Neutral lipid storage myopathy. Last evaluated: 2022-06-01. Review status: no assertion criteria provided. Collection method: provider interpretation. Allele origin: inherited. Affected: yes. Not counted in ClinVar's aggregate classification.
Comment: Variant confirmed as disease-causing by referring clinical team

Variant identified during reanalysis of unsolved cases by the Solve-RD project. The Solve-RD project has received funding from the European Union’s Horizon 2020 research and innovation programme under grant agreement No 779257.

Literature cited by the submitters: PubMed 17187067 (cited by Labcorp Genetics (formerly Invitae), Labcorp); PubMed 22990388 (cited by Labcorp Genetics (formerly Invitae), Labcorp); PubMed 39825153 (cited by Solve-RD Consortium).